The following is an entry in ClinVar:

ClinVar aggregate classification (germline): Conflicting classifications of pathogenicity. Review status: criteria provided, conflicting classifications (1 of 4 stars). 3 submissions from 3 submitters: Uncertain significance (1); Likely benign (1). 1 of the submissions does not count toward it. Last evaluated 2026-04-22.

Conditions:
CHCHD10-related disorder. Also called: CHCHD10-related condition; CHCHD10-Related Disorders. Identifiers: MedGen CN381526.

Allele frequency attached by ClinVar (database versions not stated): 1000 Genomes Project 0.00020; ExAC 0.00022; TOPMed 0.00023; gnomAD 0.00035; ESP Exome Variant Server 0.00046; 1000 Genomes Project 30x 0.00047.
gnomAD v4.1: 542 of 1,613,386 alleles (0.034%); highest among the groups gnomAD compares: Non-Finnish European, 0.044%; no homozygotes.

Submissions (3):

Women's Health and Genetics/Laboratory Corporation of America, LabCorp
Classification: Uncertain significance. Last evaluated: 2026-04-22. Review status: criteria provided, single submitter. Criteria: LabCorp Variant Classification Summary - May 2015. Collection method: clinical testing. Allele origin: germline.
Comment: Variant summary: CHCHD10 c.*8G>A is located in the untranslated mRNA region downstream of the termination codon. The variant allele was found at a frequency of 0.00018 in 248296 control chromosomes. This frequency is not significantly higher than estimated for disease-causing variants in CHCHD10, allowing no conclusion about variant significance. To our knowledge, no occurrence of c.*8G>A in individuals affected with CHCHD10-related conditions and no experimental evidence demonstrating its impact on protein function have been reported. ClinVar contains an entry for this variant (Variation ID: 3046372). Based on the evidence outlined above, the variant was classified as uncertain significance.

Blueprint Genetics
Classification: Likely benign. Last evaluated: 2024-11-01. Review status: criteria provided, single submitter. Criteria: ACMG Guidelines, 2015. Collection method: clinical testing. Allele origin: germline.

PreventionGenetics, part of Exact Sciences
Classification: Likely benign for CHCHD10-related condition. Last evaluated: 2021-06-22. Review status: no assertion criteria provided. Collection method: clinical testing. Allele origin: germline. Not counted in ClinVar's aggregate classification.
Comment: This variant is classified as likely benign based on ACMG/AMP sequence variant interpretation guidelines (Richards et al. 2015 PMID: 25741868, with internal and published modifications).

NM_213720.3(CHCHD10):c.*8G>A

Gene: CHCHD10 (coiled-coil-helix-coiled-coil-helix domain containing 10; minus strand). Cytogenetic location: 22q11.23.
Variant type: single nucleotide variant.
Coding change: c.*8G>A on transcript NM_213720.3 (MANE Select); 8 bases downstream of the stop codon, G replaced by A.
Molecular consequence: 3 prime UTR variant. On other transcripts: non-coding transcript variant (2).
Genome position (GRCh38, 1-based): chr22:23,765,999, C>T on the plus strand (G>A on the coding strand, the complement: CHCHD10 is on the minus strand). VCF-style: chr22-23765999-C-T. GRCh37 (hg19) VCF-style: chr22-24108186-C-T.
Other names: c.*8G>A (NM_001301339.2).
Identifiers: ClinVar variation 3046372 (VCV003046372.4), dbSNP rs372342375, ClinGen allele CA10145200.
Genomic context (GRCh38, chr22:23,765,999, plus strand): 5'-TGTGGTCTGGCTGTCGGCGAGGGGTAGAGGTGGGTGCAGGACTGGCCCCCGAGTCTGCAC[C>T]GACCTCTTCAGGGCAGGGAGCTCAGACCTGGGAAGGGAGGGGCAGCACAGGCTGGTGGTC-3'